The following is an entry in ClinVar:

NM_022114.4(PRDM16):c.*14C>T

Gene: PRDM16 (PR/SET domain 16; plus strand). Cytogenetic location: 1p36.32.
Variant type: single nucleotide variant.
Coding change: c.*14C>T on transcript NM_022114.4 (MANE Select); 14 bases downstream of the stop codon, C replaced by T.
Molecular consequence: 3 prime UTR variant.
Genome position (GRCh38, 1-based): chr1:3,433,825, C>T. VCF-style: chr1-3433825-C-T. GRCh37 (hg19) VCF-style: chr1-3350389-C-T.
Other names: c.*14C>T (NM_199454.3).
Identifiers: ClinVar variation 505570 (VCV000505570.6), dbSNP rs747277382, ClinGen allele CA545005.

ClinVar aggregate classification (germline): Conflicting classifications of pathogenicity. Review status: criteria provided, conflicting classifications (1 of 4 stars). 2 submissions from 2 submitters: Uncertain significance (1); Benign (1). Last evaluated 2026-03-06.

Allele frequency attached by ClinVar (database versions not stated): ExAC 0.00001; gnomAD 0.00002; gnomAD exomes 0.00002 and 0.00006; TOPMed 0.00003.
gnomAD v4.1: 93 of 1,611,222 alleles (0.0058%); highest among the groups gnomAD compares: East Asian, 0.0067%; no homozygotes.

Submissions (2):

Women's Health and Genetics/Laboratory Corporation of America, LabCorp
Classification: Benign. Last evaluated: 2026-03-06. Review status: criteria provided, single submitter. Criteria: LabCorp Variant Classification Summary - May 2015. Collection method: clinical testing. Allele origin: germline.
Comment: Variant summary: PRDM16 c.*14C>T is located in the untranslated mRNA region downstream of the termination codon. The variant allele was found at a frequency of 5.8e-05 in 1611222 control chromosomes. The observed variant frequency exceeds the estimated maximal expected allele frequency for disease-causing variants in PRDM16. To our knowledge, no occurrence of c.*14C>T in individuals affected with PRDM16-related conditions and no experimental evidence demonstrating its impact on protein function have been reported. ClinVar contains an entry for this variant (Variation ID: 505570). Based on the evidence outlined above, the variant was classified as benign.

Laboratory for Molecular Medicine, Mass General Brigham Personalized Medicine
Classification: Uncertain significance. Last evaluated: 2017-01-23. Review status: criteria provided, single submitter. Criteria: LMM Criteria. Collection method: clinical testing. Allele origin: germline. Observed: 1 variant allele.
Comment: The c.*14C>T variant in PRDM16 has not been previously reported in individuals w ith cardiomyopathy, but has been identified in 1/64412 European chromosomes by t he Exome Aggregation Consortium (ExAC; dbSNP rs7 47277382). This variant is located in the 3' UTR and its impact is unclear. In s ummary, the clinical significance of the c.*14C>T variant is uncertain.